The following is an entry in ClinVar:

NM_001371986.1(UNC80):c.7050+1G>C

Gene: UNC80 (unc-80 subunit of NALCN channel complex; plus strand). Cytogenetic location: 2q34.
Variant type: single nucleotide variant.
Coding change: c.7050+1G>C on transcript NM_001371986.1 (MANE Select); the canonical splice donor site of the intron after coding-DNA position 7050, G replaced by C.
Molecular consequence: splice donor variant.
Genome position (GRCh38, 1-based): chr2:209,943,515, G>C. VCF-style: chr2-209943515-G-C. GRCh37 (hg19) VCF-style: chr2-210808239-G-C.
Other names: c.6852+1G>C (NM_032504.2); c.6837+1G>C (NM_182587.4).
Identifiers: ClinVar variation 4532342 (VCV004532342.1).
Genomic context (GRCh38, chr2:209,943,515, plus strand): 5'-CACCGGAAGCCCTTTGTGCTCCAGCTGTTTGCTAGTGTGGCCCCTCTCCTGGAATTTCCT[G>C]TAAGTAAGCTCTGTGGGAAAAAAAAATGAAGACCAACAAAATGAGAAAAGCAAAGGTTAT-3'

ClinVar aggregate classification (germline): Likely pathogenic (1 of 4 stars; one submission).

Submission:

GeneDx
Classification: Likely pathogenic. Last evaluated: 2025-06-01. Review status: criteria provided, single submitter. Criteria: GeneDx Variant Classification Process June 2021. Collection method: clinical testing. Allele origin: germline. Affected: yes.
Comment: Canonical splice site variant predicted to result in an in-frame loss of the adjacent exon in a gene for which loss of function is a known mechanism of disease; Not observed at significant frequency in large population cohorts (gnomAD); Has not been previously published as pathogenic or benign to our knowledge